The following is an entry in ClinVar:

ClinVar aggregate classification (germline): Conflicting classifications of pathogenicity. Review status: criteria provided, conflicting classifications (1 of 4 stars). 9 submissions from 9 submitters: Uncertain significance (4); Likely benign (4). 1 of the submissions does not count toward it. Last evaluated 2026-02-01.

Conditions:
COL9A1-related disorder. Also called: COL9A1-related condition; COL9A1-related disorders.
Stickler syndrome. Identifiers: Orphanet 828, MedGen C0265253, MONDO:0019354.
Inborn genetic diseases. Identifiers: MedGen C0950123, MeSH D030342.

Allele frequency attached by ClinVar (database versions not stated): gnomAD 0.00079 and 0.00084; TOPMed 0.00080; gnomAD exomes 0.00153 and 0.00044; 1000 Genomes Project 30x 0.00016; 1000 Genomes Project 0.00020; ExAC 0.00036; ESP Exome Variant Server 0.00069.
gnomAD v4.1: 2,409 of 1,613,932 alleles (0.15%); highest among the groups gnomAD compares: Non-Finnish European, 0.19%; 6 homozygotes.

Submissions (10):

CeGaT Center for Human Genetics Tuebingen
Classification: Likely benign. Last evaluated: 2026-02-01. Review status: criteria provided, single submitter. Criteria: CeGaT Center For Human Genetics Tuebingen Variant Classification Criteria Version 2. Collection method: clinical testing. Allele origin: germline. Affected: yes. Observed: 5 variant alleles.
Comment: COL9A1: BS2

Labcorp Genetics (formerly Invitae), Labcorp
Classification: Likely benign. Last evaluated: 2026-01-27. Review status: criteria provided, single submitter. Criteria: Invitae Variant Classification Sherloc (09022015). Collection method: clinical testing. Allele origin: germline.

Blueprint Genetics
Classification: Likely benign. Last evaluated: 2024-10-31. Review status: criteria provided, single submitter. Criteria: ACMG Guidelines, 2015. Collection method: clinical testing. Allele origin: germline.

Ambry Genetics
Classification: Uncertain significance for Inborn genetic diseases. Last evaluated: 2024-09-10. Review status: criteria provided, single submitter. Criteria: Ambry Variant Classification Scheme 2023. Collection method: clinical testing. Allele origin: germline.

Mayo Clinic Laboratories, Mayo Clinic
Classification: Uncertain significance. Last evaluated: 2022-11-02. Review status: criteria provided, single submitter. Criteria: ACMG Guidelines, 2015. Collection method: clinical testing. Allele origin: germline. Observed: 1 variant allele.
Comment: BS1_supporting

Department of Pathology and Laboratory Medicine, Sinai Health System
Classification: Uncertain significance for Stickler syndrome. Last evaluated: 2021-07-30. Review status: criteria provided, single submitter. Criteria: ACMG Guidelines, 2015. Collection method: research. Allele origin: germline.

GeneDx
Classification: Likely benign. Last evaluated: 2021-07-12. Review status: criteria provided, single submitter. Criteria: GeneDx Variant Classification Process June 2021. Collection method: clinical testing. Allele origin: germline. Affected: yes.
Comment: This variant is associated with the following publications: (PMID: 26582918, 27535533)

Eurofins Ntd Llc (ga)
Classification: Uncertain significance. Last evaluated: 2017-10-20. Review status: criteria provided, single submitter. Criteria: EGL Classification Definitions 2015. Collection method: clinical testing. Allele origin: germline. Observed: 3 variant alleles, 3 heterozygotes.

PreventionGenetics, part of Exact Sciences
Classification: Likely benign for COL9A1-related condition. Last evaluated: 2022-04-19. Review status: no assertion criteria provided. Collection method: clinical testing. Allele origin: germline. Not counted in ClinVar's aggregate classification.
Comment: This variant is classified as likely benign based on ACMG/AMP sequence variant interpretation guidelines (Richards et al. 2015 PMID: 25741868, with internal and published modifications).

Dr. Peter K. Rogan Lab, Western University
No classification provided (evidence only). Condition: Uterine corpus endometrial carcinoma. Review status: no classification provided. Collection method: in vitro. Allele origin: not applicable. Functional consequence: retained intron. Not counted in ClinVar's aggregate classification.

NM_001851.6(COL9A1):c.2585A>C (p.Asp862Ala)

Gene: COL9A1 (collagen type IX alpha 1 chain; minus strand). Cytogenetic location: 6q13.
Variant type: single nucleotide variant.
Coding change: c.2585A>C on transcript NM_001851.6 (MANE Select); coding-DNA position 2585, A replaced by C.
Protein change: p.Asp862Ala; replaces aspartic acid 862 with alanine.
Molecular consequence: missense variant. On other transcripts: non-coding transcript variant (1).
Genome position (GRCh38, 1-based): chr6:70,217,078, T>G on the plus strand (A>C on the coding strand, the complement: COL9A1 is on the minus strand). VCF-style: chr6-70217078-T-G. GRCh37 (hg19) VCF-style: chr6-70926781-T-G.
Other names: p.Asp862Ala; c.1886A>C, p.Asp629Ala (NM_001377289.1); c.1709A>C, p.Asp570Ala (NM_001377290.1); c.1856A>C, p.Asp619Ala (NM_078485.4); short protein forms D862A, D619A, D570A, D629A.
Identifiers: ClinVar variation 284657 (VCV000284657.51), dbSNP rs202176764, ClinGen allele CA3881713.